The following is an entry in ClinVar:

NM_025216.3(WNT10A):c.574del (p.Val192fs)

Gene: WNT10A (Wnt family member 10A; plus strand). Cytogenetic location: 2q35.
Variant type: Deletion.
Coding change: c.574del on transcript NM_025216.3 (MANE Select); coding-DNA position 574, one base deleted (G; older notation c.574delG).
Protein change: p.Val192fs; shifts the reading frame from valine 192.
Molecular consequence: frameshift variant.
Genome position (GRCh38, 1-based): chr2:218,890,181, G deleted; the last of 4 consecutive G bases (chr2:218,890,178-218,890,181); deleting any one gives the same sequence. VCF-style (leftmost placement, unchanged base first): chr2-218890177-TG-T. GRCh37 (hg19) VCF-style: chr2-219754899-TG-T.
Other names: short protein forms V192fs.
Identifiers: ClinVar variation 2030181 (VCV002030181.4), dbSNP rs2470312895, ClinGen allele CA2580065714.

ClinVar aggregate classification (germline): Pathogenic (1 of 4 stars; one submission).

Conditions:
Tooth agenesis, selective, 4 (STHAG4). Also called: SUCCEDANEOUS TEETH, AGENESIS OF; TOOTH AGENESIS, SELECTIVE, 4, WITH OR WITHOUT ECTODERMAL DYSPLASIA; LATERAL INCISORS, ABSENCE OF; LATERAL INCISORS, PEGGED OR MISSING. Identifiers: Orphanet 99798, MedGen C1835492, MONDO:0007881, OMIM 150400. Disease mechanism: loss of function.
Odonto-onycho-dermal dysplasia. Identifiers: Orphanet 2721, MedGen C0796093, MONDO:0009773, OMIM 257980.

Submission:

Labcorp Genetics (formerly Invitae), Labcorp
Classification: Pathogenic for Tooth agenesis, selective, 4; Odonto-onycho-dermal dysplasia. Last evaluated: 2022-09-13. Review status: criteria provided, single submitter. Criteria: Invitae Variant Classification Sherloc (09022015). Collection method: clinical testing. Allele origin: germline.
Comment: This sequence change creates a premature translational stop signal (p.Val192Serfs*51) in the WNT10A gene. While this is not anticipated to result in nonsense mediated decay, it is expected to disrupt the last 226 amino acid(s) of the WNT10A protein. This variant is not present in population databases (gnomAD no frequency). This variant has not been reported in the literature in individuals affected with WNT10A-related conditions. This variant disrupts a region of the WNT10A protein in which other variant(s) (p.Glu390*) have been determined to be pathogenic (PMID: 24902757). This suggests that this is a clinically significant region of the protein, and that variants that disrupt it are likely to be disease-causing. For these reasons, this variant has been classified as Pathogenic.

Literature cited by the submitters: PubMed 24902757.